The following is an entry in ClinVar:

NM_001211.6(BUB1B):c.1955A>G (p.Gln652Arg)

Gene: BUB1B (BUB1 mitotic checkpoint serine/threonine kinase B; plus strand). Cytogenetic location: 15q15.1.
Variant type: single nucleotide variant.
Coding change: c.1955A>G on transcript NM_001211.6 (MANE Select); coding-DNA position 1955, A replaced by G.
Protein change: p.Gln652Arg; replaces glutamine 652 with arginine.
Molecular consequence: missense variant.
Genome position (GRCh38, 1-based): chr15:40,206,404, A>G. VCF-style: chr15-40206404-A-G. GRCh37 (hg19) VCF-style: chr15-40498605-A-G.
Other names: short protein forms Q652R.
Identifiers: ClinVar variation 851027 (VCV000851027.11), dbSNP rs1158333848, ClinGen allele CA391692778.

ClinVar aggregate classification (germline): Uncertain significance (1 of 4 stars; one submission).

Conditions:
Mosaic variegated aneuploidy syndrome 1 (MVA1). Also called: Warburton-Anyane-Yeboa syndrome. Identifiers: Orphanet 1052, MedGen C1850343, MONDO:0009759, OMIM 257300.

Allele frequency attached by ClinVar (database versions not stated): gnomAD exomes below 0.00001.
gnomAD v4.1: 2 of 1,614,248 alleles (0.00012%); highest among the groups gnomAD compares: South Asian, 0.0022%; no homozygotes.

Submission:

Labcorp Genetics (formerly Invitae), Labcorp
Classification: Uncertain significance for Mosaic variegated aneuploidy syndrome 1. Last evaluated: 2022-02-10. Review status: criteria provided, single submitter. Criteria: Invitae Variant Classification Sherloc (09022015). Collection method: clinical testing. Allele origin: germline.
Comment: In summary, the available evidence is currently insufficient to determine the role of this variant in disease. Therefore, it has been classified as a Variant of Uncertain Significance. Algorithms developed to predict the effect of missense changes on protein structure and function (SIFT, PolyPhen-2, Align-GVGD) all suggest that this variant is likely to be tolerated. ClinVar contains an entry for this variant (Variation ID: 851027). This variant has not been reported in the literature in individuals affected with BUB1B-related conditions. This variant is present in population databases (no rsID available, gnomAD 0.003%). This sequence change replaces glutamine, which is neutral and polar, with arginine, which is basic and polar, at codon 652 of the BUB1B protein (p.Gln652Arg).